The following is an entry in ClinVar:

NM_006904.7(PRKDC):c.5572-51G>A

Gene: PRKDC (protein kinase, DNA-activated, catalytic subunit; minus strand). Cytogenetic location: 8q11.21.
Variant type: single nucleotide variant.
Coding change: c.5572-51G>A on transcript NM_006904.7 (MANE Select); 51 bases into the intron before coding-DNA position 5572, G replaced by A.
Molecular consequence: intron variant.
Genome position (GRCh38, 1-based): chr8:47,863,628, C>T on the plus strand (G>A on the coding strand, the complement: PRKDC is on the minus strand). VCF-style: chr8-47863628-C-T. GRCh37 (hg19) VCF-style: chr8-48776189-C-T.
Other names: c.5572-51G>A (NM_001081640.2).
Identifiers: ClinVar variation 1259795 (VCV001259795.5), dbSNP rs6993483, ClinGen allele CA15559758.
Genomic context (GRCh38, chr8:47,863,628, plus strand): 5'-ATTCATTTAGCTTCAAAAAGGTAAAAAATAATTATCTTTGGTCTTATTAAACATGAAATA[C>T]ATCTTATAGAATATATCAAATTTAATACTTAATATCCTTTAGACAGACAGAATTTTAACA-3'

ClinVar aggregate classification (germline): Benign. Review status: criteria provided, multiple submitters, no conflicts (2 of 4 stars). 3 submissions from 3 submitters: Benign (3). Last evaluated 2024-01-24.

Allele frequency attached by ClinVar (database versions not stated): gnomAD exomes 0.08697; ESP Exome Variant Server 0.21580; gnomAD 0.22472 and 0.22999; TOPMed 0.25707; 1000 Genomes Project 0.30232; 1000 Genomes Project 30x 0.30637.
gnomAD v4.1: 146,032 of 1,420,094 alleles (10%); highest among the groups gnomAD compares: African/African-American, 57%; 18,657 homozygotes.

Submissions (3):

Unidad de Genómica Garrahan, Hospital de Pediatría Garrahan
Classification: Benign. Last evaluated: 2024-01-24. Review status: criteria provided, single submitter. Criteria: ACMG Guidelines, 2015. Collection method: clinical testing. Allele origin: germline. Affected: no. Observed: 38 variant alleles.
Comment: This variant is classified as Benign based on local population frequency. This variant was detected in 40% of patients studied by a panel of primary immunodeficiencies. Number of patients: 38. Only high quality variants are reported.

GeneDx
Classification: Benign. Last evaluated: 2018-07-07. Review status: criteria provided, single submitter. Criteria: GeneDx Variant Classification Process June 2021. Collection method: clinical testing. Allele origin: germline. Affected: yes.

Breakthrough Genomics
Classification: Benign. Review status: criteria provided, single submitter. Criteria: ACMG Guidelines, 2015. Collection method: not provided. Allele origin: germline. Inheritance: Autosomal recessive inheritance. Affected: yes.